The following is an entry in ClinVar:

ClinVar aggregate classification (germline): Uncertain significance. Review status: criteria provided, multiple submitters, no conflicts (2 of 4 stars). 3 submissions from 3 submitters: Uncertain significance (3). Last evaluated 2026-08-06.

Conditions:
KLHL24-related disorder. Also called: KLHL24-related condition.
Inborn genetic diseases. Identifiers: MedGen C0950123, MeSH D030342.

Allele frequency attached by ClinVar (database versions not stated): gnomAD 0.00002; gnomAD exomes 0.00002; TOPMed 0.00002; ExAC 0.00006.
gnomAD v4.1: 31 of 1,613,974 alleles (0.0019%); highest among the groups gnomAD compares: African/African-American, 0.004%; no homozygotes.

Submissions (3):

OLLIN Analises Genomicas, OLLIN
Classification: Uncertain significance. Last evaluated: 2026-08-06. Review status: criteria provided, single submitter. Criteria: ACMG Guidelines 2015 PMID 25741868. Collection method: clinical testing. Allele origin: germline.
Comment: This missense variant, located in exon 3 (of 8), has been reported in ClinVar (accession VCV003115568.1) and in gnomAD with an allele frequency of 0.0019%. However, to our knowledge, it has not been reported in the scientific literature. In silico analysis is inconclusive regarding the impact of this variant. According to the currently available evidence, this variant has been classified as uncertain significance (PM2_P).

PreventionGenetics, part of Exact Sciences
Classification: Uncertain significance for KLHL24-related condition. Last evaluated: 2026-07-28. Review status: criteria provided, single submitter. Criteria: ACMG Guidelines, 2015. Collection method: clinical testing. Allele origin: germline.
Comment: The KLHL24 c.50G>A variant is predicted to result in the amino acid substitution p.Arg17His. To our knowledge, this variant has not been reported in the literature. This variant is reported in 0.0099% of alleles in individuals of Ashkenazi Jewish descent in gnomAD. At this time, the clinical significance of this variant is uncertain due to the absence of conclusive functional and genetic evidence.

Ambry Genetics
Classification: Uncertain significance for Inborn genetic diseases. Last evaluated: 2024-02-05. Review status: criteria provided, single submitter. Criteria: Ambry Variant Classification Scheme 2023. Collection method: clinical testing. Allele origin: germline.

NM_017644.3(KLHL24):c.50G>A (p.Arg17His)

Gene: KLHL24 (kelch like family member 24; plus strand). Cytogenetic location: 3q27.1.
Variant type: single nucleotide variant.
Coding change: c.50G>A on transcript NM_017644.3 (MANE Select); coding-DNA position 50, G replaced by A.
Protein change: p.Arg17His; replaces arginine 17 with histidine.
Molecular consequence: missense variant. On other transcripts: 5 prime UTR variant (2), non-coding transcript variant (2).
Genome position (GRCh38, 1-based): chr3:183,650,406, G>A. VCF-style: chr3-183650406-G-A. GRCh37 (hg19) VCF-style: chr3-183368194-G-A.
Other names: c.50G>A, p.Arg17His (NM_001349416.1, NM_001349417.1, NM_001349418.1 and 12 more transcripts); c.-917G>A (NM_001349428.1, NM_001349429.1); short protein forms R17H.
Identifiers: ClinVar variation 3115568 (VCV003115568.2), dbSNP rs763143836, ClinGen allele CA2721531.